The following is an entry in ClinVar:

NM_000132.4(F8):c.505G>A (p.Asp169Asn)

Gene: F8 (coagulation factor VIII; minus strand). Cytogenetic location: Xq28.
Variant type: single nucleotide variant.
Coding change: c.505G>A on transcript NM_000132.4 (MANE Select); coding-DNA position 505, G replaced by A.
Protein change: p.Asp169Asn; replaces aspartic acid 169 with asparagine.
Molecular consequence: missense variant.
Genome position (GRCh38, 1-based): chrX:154,993,032, C>T on the plus strand (G>A on the coding strand, the complement: F8 is on the minus strand). VCF-style: chrX-154993032-C-T. GRCh37 (hg19) VCF-style: chrX-154221307-C-T.
Other names: short protein forms D169N.
Identifiers: ClinVar variation 993923 (VCV000993923.8), dbSNP rs2073596825, ClinGen allele CA414919570.

ClinVar aggregate classification (germline): Uncertain significance (1 of 4 stars; one submission).

Conditions:
Hereditary factor VIII deficiency disease (HEMA). Also called: AUTOSOMAL HEMOPHILIA A; Hemophilia A, congenital; HEM A; Factor 8 deficiency, congenital; HEMOPHILIA, CLASSIC; Hemophilia A. Identifiers: Orphanet 98878, MedGen C0019069, MONDO:0010602, OMIM 306700.

Allele frequency attached by ClinVar (database versions not stated): TOPMed 0.00001.

Submission:

ARUP Laboratories, Molecular Genetics and Genomics, ARUP Laboratories
Classification: Uncertain significance for Hereditary factor VIII deficiency disease. Last evaluated: 2019-11-13. Review status: criteria provided, single submitter. Criteria: ARUP Molecular Germline Variant Investigation Process. Collection method: clinical testing. Allele origin: germline.
Comment: The F8 c.505G>A, p.Asp169Asn variant, to our knowledge, is not reported in the medical literature or gene-specific databases. The variant is also absent from general population databases (Exome Variant Server, Genome Aggregation Database), indicating it is not a common polymorphism. The aspartic acid at codon 169 is highly conserved, and computational analyses (SIFT, PolyPhen-2) predict that this variant is deleterious. Due to limited information, the clinical significance of the p.Asp169Asn variant is uncertain at this time.